The following is an entry in ClinVar:

NM_001394998.1(TANC2):c.683G>A (p.Ser228Asn)

Gene: TANC2 (tetratricopeptide repeat, ankyrin repeat and coiled-coil containing 2; plus strand). Cytogenetic location: 17q23.3.
Variant type: single nucleotide variant.
Coding change: c.683G>A on transcript NM_001394998.1 (MANE Select); coding-DNA position 683, G replaced by A.
Protein change: p.Ser228Asn; replaces serine 228 with asparagine.
Molecular consequence: missense variant.
Genome position (GRCh38, 1-based): chr17:63,200,871, G>A. VCF-style: chr17-63200871-G-A. GRCh37 (hg19) VCF-style: chr17-61278232-G-A.
Other names: c.461G>A, p.Ser154Asn (NM_001411076.1, NM_025185.4); short protein forms S154N, S228N.
Identifiers: ClinVar variation 3768142 (VCV003768142.1).

ClinVar aggregate classification (germline): Uncertain significance (1 of 4 stars; one submission).

gnomAD v4.1: 1 of 1,613,758 alleles (0.000062%); highest among the groups gnomAD compares: East Asian, 0.0022%; no homozygotes.

Submission:

Women's Health and Genetics/Laboratory Corporation of America, LabCorp
Classification: Uncertain significance. Last evaluated: 2024-12-27. Review status: criteria provided, single submitter. Criteria: LabCorp Variant Classification Summary - May 2015. Collection method: clinical testing. Allele origin: germline.
Comment: Variant summary: TANC2 c.461G>A (p.Ser154Asn) results in a conservative amino acid change in the encoded protein sequence. Five of five in-silico tools predict a benign effect of the variant on protein function. The variant allele was found at a frequency of 4e-06 in 249102 control chromosomes. The available data on variant occurrences in the general population are insufficient to allow any conclusion about variant significance. To our knowledge, no occurrence of c.461G>A in individuals affected with Intellectual Developmental Disorder With Autistic Features And Language Delay, With Or Without Seizures and no experimental evidence demonstrating its impact on protein function have been reported. No submitters have cited clinical-significance assessments for this variant to ClinVar. Based on the evidence outlined above, the variant was classified as uncertain significance.